The following is an entry in ClinVar:

ClinVar aggregate classification (germline): Uncertain significance (1 of 4 stars; one submission).

Conditions:
Familial thoracic aortic aneurysm and aortic dissection (TAAD). Also called: Thoracic aortic aneurysms and dissections. Identifiers: Orphanet 91387, MedGen C4707243, MONDO:0019625.

Submissions (2):

Ambry Genetics
Classification: Uncertain significance for Familial thoracic aortic aneurysm and aortic dissection. Last evaluated: 2026-07-17. Review status: criteria provided, single submitter. Criteria: Ambry Variant Classification Scheme 2023. Collection method: clinical testing. Allele origin: germline.
Comment: The p.K2613Q variant (also known as c.7837A>C), located in coding exon 46 of the FLNA gene, results from an A to C substitution at nucleotide position 7837. The lysine at codon 2613 is replaced by glutamine, an amino acid with similar properties. This amino acid position is conserved. In addition, the in silico prediction for this alteration is inconclusive. Based on the available evidence, the clinical significance of this variant remains unclear.

Dr. Peter K. Rogan Lab, Western University
No classification provided (evidence only). Condition: Thyroid cancer, nonmedullary, 1. Review status: no classification provided. Collection method: in vitro. Allele origin: not applicable. Functional consequence: retained intron. Not counted in ClinVar's aggregate classification.

NM_001110556.2(FLNA):c.7861A>C (p.Lys2621Gln)

Genes: FLNA (filamin A; minus strand), LOC107988032 (Xq28 proximal FLNA-EMD recombination region; plus strand). Cytogenetic location: Xq28.
Variant type: single nucleotide variant.
Coding change: c.7861A>C on transcript NM_001110556.2 (MANE Select); coding-DNA position 7861, A replaced by C.
Protein change: p.Lys2621Gln; replaces lysine 2621 with glutamine.
Molecular consequence: missense variant.
Genome position (GRCh38, 1-based): chrX:154,348,932, T>G on the plus strand (A>C on the coding strand, the complement: FLNA is on the minus strand). VCF-style: chrX-154348932-T-G. GRCh37 (hg19) VCF-style: chrX-153577300-T-G.
Other names: NC_000023.10:g.153577300T>G; c.7837A>C, p.Lys2613Gln (NM_001456.4); c.7837A>C (NM_001456.3); short protein forms K2613Q, K2621Q.
Identifiers: ClinVar variation 4478318 (VCV004478318.2).